The following is an entry in ClinVar:

ClinVar aggregate classification (germline): Uncertain significance (1 of 4 stars; one submission).

gnomAD v4.1: 1 of 1,467,996 alleles (0.000068%); highest among the groups gnomAD compares: East Asian, 0.0026%; no homozygotes.

Submission:

Labcorp Genetics (formerly Invitae), Labcorp
Classification: Uncertain significance. Last evaluated: 2021-08-01. Review status: criteria provided, single submitter. Criteria: Invitae Variant Classification Sherloc (09022015). Collection method: clinical testing. Allele origin: germline.
Comment: In summary, the available evidence is currently insufficient to determine the role of this variant in disease. Therefore, it has been classified as a Variant of Uncertain Significance. Algorithms developed to predict the effect of missense changes on protein structure and function (SIFT, PolyPhen-2, Align-GVGD) all suggest that this variant is likely to be tolerated. This variant has not been reported in the literature in individuals affected with PPA2-related conditions. This variant is not present in population databases (ExAC no frequency). This sequence change replaces valine with isoleucine at codon 314 of the PPA2 protein (p.Val314Ile). The valine residue is weakly conserved and there is a small physicochemical difference between valine and isoleucine.

NM_176869.3(PPA2):c.940G>A (p.Val314Ile)

Gene: PPA2 (inorganic pyrophosphatase 2; minus strand). Cytogenetic location: 4q24.
Variant type: single nucleotide variant.
Coding change: c.940G>A on transcript NM_176869.3 (MANE Select); coding-DNA position 940, G replaced by A.
Protein change: p.Val314Ile; replaces valine 314 with isoleucine.
Molecular consequence: missense variant.
Genome position (GRCh38, 1-based): chr4:105,370,873, C>T on the plus strand (G>A on the coding strand, the complement: PPA2 is on the minus strand). VCF-style: chr4-105370873-C-T. GRCh37 (hg19) VCF-style: chr4-106292030-C-T.
Other names: c.853G>A, p.Val285Ile (NM_006903.4); c.634G>A, p.Val212Ile (NM_176866.2); c.442G>A, p.Val148Ile (NM_176867.3); short protein forms V148I, V285I, V314I, V212I.
Identifiers: ClinVar variation 1479416 (VCV001479416.6), dbSNP rs1243157331, ClinGen allele CA357787561.